The following is an entry in ClinVar:

ClinVar aggregate classification (germline): Pathogenic (1 of 4 stars; one submission).

Conditions:
Hereditary cancer-predisposing syndrome. Also called: Neoplastic Syndromes, Hereditary; Tumor predisposition; Hereditary neoplastic syndrome; Hereditary Cancer Syndrome. Identifiers: Orphanet 140162, MedGen C0027672, MeSH D009386, MONDO:0015356.
Cardiovascular phenotype. Identifiers: MedGen CN230736.

Submission:

Ambry Genetics
Classification: Pathogenic for Cardiovascular phenotype; Hereditary cancer-predisposing syndrome. Last evaluated: 2023-07-22. Review status: criteria provided, single submitter. Criteria: Ambry Variant Classification Scheme 2023. Collection method: clinical testing. Allele origin: germline.
Comment: The c.7835_7836dupAG pathogenic mutation, located in coding exon 53 of the NF1 gene, results from a duplication of AG at nucleotide position 7835, causing a translational frameshift with a predicted alternate stop codon (p.F2613Sfs*11). This variant is considered to be rare based on population cohorts in the Genome Aggregation Database (gnomAD). This alteration is expected to result in loss of function by premature protein truncation or nonsense-mediated mRNA decay. As such, this alteration is interpreted as a disease-causing mutation.

NM_001042492.3(NF1):c.7898_7899dup (p.Phe2634fs)

Gene: NF1 (neurofibromin 1; plus strand). Cytogenetic location: 17q11.2.
Variant type: Duplication.
Coding change: c.7898_7899dup on transcript NM_001042492.3 (MANE Select); coding-DNA positions 7898 to 7899, 2 bases duplicated (AG; older notation c.7898_7899dupAG).
Protein change: p.Phe2634fs; shifts the reading frame from phenylalanine 2634.
Molecular consequence: frameshift variant.
Genome position (GRCh38, 1-based): chr17:31,357,297-31,357,298, AG duplicated; duplicating any 2 consecutive bases within chr17:31,357,296-31,357,298 gives the same sequence; the c. name uses the placement nearest the transcript's 3' end. VCF-style (leftmost placement, unchanged base first): chr17-31357295-T-TGA. GRCh37 (hg19) VCF-style: chr17-29684313-T-TGA.
Other names: c.7835_7836dupAG (NM_000267.3); c.7835_7836dup, p.Phe2613Serfs (NM_000267.4); short protein forms F2613fs, F2634fs.
Identifiers: ClinVar variation 3237958 (VCV003237958.1), dbSNP rs2508829895.